The following is an entry in ClinVar:

ClinVar aggregate classification (germline): Likely benign (1 of 4 stars; one submission).

Allele frequency attached by ClinVar (database versions not stated): gnomAD 0.00003; ExAC 0.00005; gnomAD exomes 0.00007; 1000 Genomes Project 0.00160; ESP Exome Variant Server 0.00361; TOPMed 0.00368.
gnomAD v4.1: 109 of 1,612,320 alleles (0.0068%); highest among the groups gnomAD compares: Non-Finnish European, 0.0086%; no homozygotes.

Submission:

CeGaT Center for Human Genetics Tuebingen
Classification: Likely benign. Last evaluated: 2025-07-01. Review status: criteria provided, single submitter. Criteria: CeGaT Center For Human Genetics Tuebingen Variant Classification Criteria Version 2. Collection method: clinical testing. Allele origin: germline. Affected: yes. Observed: 4 variant alleles.
Comment: CELSR1: BP4, BP7

NM_001378328.1(CELSR1):c.4518T>C (p.Ser1506=)

Gene: CELSR1 (cadherin EGF LAG seven-pass G-type receptor 1; minus strand). Cytogenetic location: 22q13.31.
Variant type: single nucleotide variant.
Coding change: c.4518T>C on transcript NM_001378328.1 (MANE Select); coding-DNA position 4518, T replaced by C.
Protein change: p.Ser1506=; no amino-acid change (serine 1506 retained).
Molecular consequence: synonymous variant.
Genome position (GRCh38, 1-based): chr22:46,436,178, A>G on the plus strand (T>C on the coding strand, the complement: CELSR1 is on the minus strand). VCF-style: chr22-46436178-A-G. GRCh37 (hg19) VCF-style: chr22-46832075-A-G.
Other names: c.4518T>C, p.Ser1506= (NM_014246.4).
Identifiers: ClinVar variation 2653331 (VCV002653331.24), dbSNP rs149062226, ClinGen allele CA10294634.
Genomic context (GRCh38, chr22:46,436,178, plus strand): 5'-CCCACAAAGTATCTGTGAATTGCTCAGAGCTGCCCTTCCTGGGGAGAAGGCCCCACCTGC[A>G]GAGAAGGTGAGCTGCACCTGCTCGTCCACGATCTCCAGGGCGATGAAGTCGTGCTTCTCA-3'
Protein context (NP_001365257.1, residues 1496-1516): IVDEQVQLTF[Ser1506=]AGETTTTVAP